The following is an entry in ClinVar:

NM_014317.5(PDSS1):c.466C>T (p.Arg156Ter)

Gene: PDSS1 (decaprenyl diphosphate synthase subunit 1; plus strand). Cytogenetic location: 10p12.1.
Variant type: single nucleotide variant.
Coding change: c.466C>T on transcript NM_014317.5 (MANE Select); coding-DNA position 466, C replaced by T.
Protein change: p.Arg156Ter; replaces arginine 156 with a stop codon.
Molecular consequence: nonsense. On other transcripts: 5 prime UTR variant (1).
Genome position (GRCh38, 1-based): chr10:26,709,767, C>T. VCF-style: chr10-26709767-C-T. GRCh37 (hg19) VCF-style: chr10-26998696-C-T.
Other names: c.466C>T (NM_014317.3); c.466C>T, p.Arg156Ter (NM_001321978.2); c.-128C>T (NM_001321979.2); short protein forms R156*.
Identifiers: ClinVar variation 1947559 (VCV001947559.5), dbSNP rs776786172, ClinGen allele CA5446935.
Genomic context (GRCh38, chr10:26,709,767, plus strand): 5'-TTTCGACCAATTATTGTGGCGCTAATGGCCCGAGCATGCAATATTCATCATAACAACTCC[C>T]GGTGAGCTCTTTTTTTCATTCCTTTCTTGTTTTTATATTTGGGAAGTCTTTCTTCCCGGG-3'

ClinVar aggregate classification (germline): Conflicting classifications of pathogenicity. Review status: criteria provided, conflicting classifications (1 of 4 stars). 2 submissions from 2 submitters: Likely pathogenic (1); Uncertain significance (1). Last evaluated 2025-01-31.

Allele frequency attached by ClinVar (database versions not stated): gnomAD 0.00001; ExAC 0.00002; TOPMed 0.00002.

Submissions (2):

GeneDx
Classification: Likely pathogenic. Last evaluated: 2025-01-31. Review status: criteria provided, single submitter. Criteria: GeneDx Variant Classification Process June 2021. Collection method: clinical testing. Allele origin: germline. Affected: yes.
Comment: Nonsense variant predicted to result in protein truncation or nonsense mediated decay in a gene for which loss of function is a known mechanism of disease; Not observed at significant frequency in large population cohorts (gnomAD); Has not been previously published as pathogenic or benign to our knowledge

Labcorp Genetics (formerly Invitae), Labcorp
Classification: Uncertain significance. Last evaluated: 2021-12-17. Review status: criteria provided, single submitter. Criteria: Invitae Variant Classification Sherloc (09022015). Collection method: clinical testing. Allele origin: germline.
Comment: This sequence change creates a premature translational stop signal (p.Arg156*) in the PDSS1 gene. It is expected to result in an absent or disrupted protein product. However, the current clinical and genetic evidence is not sufficient to establish whether loss-of-function variants in PDSS1 cause disease. In summary, the available evidence is currently insufficient to determine the role of this variant in disease. Therefore, it has been classified as a Variant of Uncertain Significance. This variant has not been reported in the literature in individuals affected with PDSS1-related conditions. This variant is present in population databases (rs776786172, gnomAD 0.01%).